The following is an entry in ClinVar:

ClinVar aggregate classification (germline): Uncertain significance (1 of 4 stars; one submission).

Conditions:
Rauch-Steindl syndrome (RAUST). Identifiers: Orphanet 659642, MedGen C5562061, MONDO:0859219, OMIM 619695.

Submission:

Juno Genomics, Hangzhou Juno Genomics, Inc
Classification: Uncertain significance for Rauch-Steindl syndrome. Review status: criteria provided, single submitter. Criteria: ACMG Guidelines, 2015. Collection method: clinical testing. Allele origin: germline.
Comment: Absent from controls (or at extremely low frequency if recessive) in Genome Aggregation Database.;Missense variant in a gene that has a low rate of benign missense variation.;Multiple lines of computational evidence support a deleterious effect on the gene or gene product.

NM_001042424.3(NSD2):c.3103A>T (p.Arg1035Trp)

Gene: NSD2 (nuclear receptor binding SET domain protein 2; plus strand). Cytogenetic location: 4p16.3.
Variant type: single nucleotide variant.
Coding change: c.3103A>T on transcript NM_001042424.3 (MANE Select); coding-DNA position 3103, A replaced by T.
Protein change: p.Arg1035Trp; replaces arginine 1035 with tryptophan.
Molecular consequence: missense variant. On other transcripts: intron variant (1).
Genome position (GRCh38, 1-based): chr4:1,959,588, A>T. VCF-style: chr4-1959588-A-T. GRCh37 (hg19) VCF-style: chr4-1961315-A-T.
Other names: c.3103A>T, p.Arg1035Trp (NM_001440892.1, NM_001440894.1, NM_133330.3 and 2 more transcripts); c.3202A>T, p.Arg1068Trp (NM_001440893.1); c.2902A>T, p.Arg968Trp (NM_001440896.1); c.2896A>T, p.Arg966Trp (NM_001440897.1, NM_001440898.1); c.2134A>T, p.Arg712Trp (NM_001440899.1, NM_001440900.1); c.2986-30A>T (NM_001440895.1); short protein forms R1068W, R712W, R966W, R1035W, R968W.
Identifiers: ClinVar variation 5006766 (VCV005006766.2).